The following is an entry in ClinVar:

ClinVar aggregate classification (germline): Uncertain significance. Review status: criteria provided, multiple submitters, no conflicts (2 of 4 stars). 2 submissions from 2 submitters: Uncertain significance (2). Last evaluated 2026-05-22.

Allele frequency attached by ClinVar (database versions not stated): TOPMed 0.00001; gnomAD exomes 0.00002; ESP Exome Variant Server 0.00008; gnomAD 0.00001; ExAC 0.00004.
gnomAD v4.1: 27 of 1,607,138 alleles (0.0017%); highest among the groups gnomAD compares: Middle Eastern, 0.017%; no homozygotes.

Submissions (2):

GeneDx
Classification: Uncertain significance. Last evaluated: 2026-05-22. Review status: criteria provided, single submitter. Criteria: GeneDx Variant Classification Process June 2021. Collection method: clinical testing. Allele origin: germline.
Comment: Has not been previously published as pathogenic or benign to our knowledge; In silico analysis is inconclusive as to whether the variant alters gene splicing. In the absence of RNA/functional studies, the actual effect of this sequence change is unknown.

Labcorp Genetics (formerly Invitae), Labcorp
Classification: Uncertain significance. Last evaluated: 2025-10-07. Review status: criteria provided, single submitter. Criteria: Invitae Variant Classification Sherloc (09022015). Collection method: clinical testing. Allele origin: germline.
Comment: This sequence change falls in intron 7 of the NALCN gene. It does not directly change the encoded amino acid sequence of the NALCN protein. This variant is present in population databases (rs201385472, gnomAD 0.005%). This variant has not been reported in the literature in individuals affected with NALCN-related conditions. ClinVar contains an entry for this variant (Variation ID: 1931867). Algorithms developed to predict the effect of sequence changes on RNA splicing suggest that this variant may disrupt the consensus splice site. In summary, the available evidence is currently insufficient to determine the role of this variant in disease. Therefore, it has been classified as a Variant of Uncertain Significance.

NM_052867.4(NALCN):c.800-11T>C

Gene: NALCN (sodium leak channel, non-selective; minus strand). Cytogenetic location: 13q33.1.
Variant type: single nucleotide variant.
Coding change: c.800-11T>C on transcript NM_052867.4 (MANE Select); 11 bases into the intron before coding-DNA position 800, T replaced by C.
Molecular consequence: intron variant.
Genome position (GRCh38, 1-based): chr13:101,292,377, A>G on the plus strand (T>C on the coding strand, the complement: NALCN is on the minus strand). VCF-style: chr13-101292377-A-G. GRCh37 (hg19) VCF-style: chr13-101944728-A-G.
Other names: c.800-11T>C (NM_001350751.2, NM_001350749.2, NM_001350750.2 and 1 more transcripts).
Identifiers: ClinVar variation 1931867 (VCV001931867.7), dbSNP rs201385472, ClinGen allele CA7036372.